The following is an entry in ClinVar:

NM_001556.3(IKBKB):c.1211G>A (p.Arg404Gln)

Gene: IKBKB (inhibitor of nuclear factor kappa B kinase subunit beta; plus strand). Cytogenetic location: 8p11.21.
Variant type: single nucleotide variant.
Coding change: c.1211G>A on transcript NM_001556.3 (MANE Select); coding-DNA position 1211, G replaced by A.
Protein change: p.Arg404Gln; replaces arginine 404 with glutamine.
Molecular consequence: missense variant. On other transcripts: non-coding transcript variant (3).
Genome position (GRCh38, 1-based): chr8:42,317,742, G>A. VCF-style: chr8-42317742-G-A. GRCh37 (hg19) VCF-style: chr8-42175260-G-A.
Other names: c.1211G>A (NM_001556.2); c.1019G>A, p.Arg340Gln (NM_001190720.3); c.1034G>A, p.Arg345Gln (NM_001242778.2); short protein forms R404Q, R345Q, R340Q.
Identifiers: ClinVar variation 3666017 (VCV003666017.4).

ClinVar aggregate classification (germline): Conflicting classifications of pathogenicity. Review status: criteria provided, conflicting classifications (1 of 4 stars). 3 submissions from 3 submitters: Uncertain significance (2); Likely benign (1). Last evaluated 2026-08-25.

Conditions:
IKBKB-related disorder. Also called: IKBKB-related condition.
Severe combined immunodeficiency due to IKK2 deficiency. Also called: Immunodeficiency 15; IMMUNODEFICIENCY 15B. Identifiers: Orphanet 397787, MedGen C4747743, MONDO:0014267, OMIM 615592.

gnomAD v4.1: 60 of 1,612,716 alleles (0.0037%); highest among the groups gnomAD compares: Middle Eastern, 0.016%; no homozygotes.

Submissions (3):

PreventionGenetics, part of Exact Sciences
Classification: Uncertain significance for IKBKB-related condition. Last evaluated: 2026-08-25. Review status: criteria provided, single submitter. Criteria: ACMG Guidelines, 2015. Collection method: clinical testing. Allele origin: germline.
Comment: The IKBKB c.1211G>A variant is predicted to result in the amino acid substitution p.Arg404Gln. To our knowledge, this variant has not been reported in the literature. This variant is reported in 0.0046% of alleles in individuals of European (Finnish) descent in gnomAD. At this time, the clinical significance of this variant is uncertain due to the absence of conclusive functional and genetic evidence.

Labcorp Genetics (formerly Invitae), Labcorp
Classification: Uncertain significance for Severe combined immunodeficiency due to IKK2 deficiency. Last evaluated: 2025-07-21. Review status: criteria provided, single submitter. Criteria: Invitae Variant Classification Sherloc (09022015). Collection method: clinical testing. Allele origin: germline.
Comment: This sequence change replaces arginine, which is basic and polar, with glutamine, which is neutral and polar, at codon 404 of the IKBKB protein (p.Arg404Gln). This variant is present in population databases (rs200978518, gnomAD 0.004%). This variant has not been reported in the literature in individuals affected with IKBKB-related conditions. ClinVar contains an entry for this variant (Variation ID: 3666017). Invitae Evidence Modeling of protein sequence and biophysical properties (such as structural, functional, and spatial information, amino acid conservation, physicochemical variation, residue mobility, and thermodynamic stability) indicates that this missense variant is not expected to disrupt IKBKB protein function with a negative predictive value of 95%. In summary, the available evidence is currently insufficient to determine the role of this variant in disease. Therefore, it has been classified as a Variant of Uncertain Significance.

Blueprint Genetics
Classification: Likely benign. Last evaluated: 2023-12-18. Review status: criteria provided, single submitter. Criteria: ACMG Guidelines, 2015. Collection method: clinical testing. Allele origin: germline.